The following is an entry in ClinVar:

NM_001127208.3(TET2):c.1728A>T (p.Glu576Asp)

Genes: TET2 (tet methylcytosine dioxygenase 2; plus strand), TET2-AS1 (TET2 antisense RNA 1; minus strand). Cytogenetic location: 4q24.
Variant type: single nucleotide variant.
Coding change: c.1728A>T on transcript NM_001127208.3 (MANE Select); coding-DNA position 1728, A replaced by T.
Protein change: p.Glu576Asp; replaces glutamic acid 576 with aspartic acid.
Molecular consequence: missense variant.
Genome position (GRCh38, 1-based): chr4:105,235,670, A>T. VCF-style: chr4-105235670-A-T. GRCh37 (hg19) VCF-style: chr4-106156827-A-T.
Other names: c.1728A>T, p.Glu576Asp (NM_017628.4); short protein forms E576D.
Identifiers: ClinVar variation 4183055 (VCV004183055.1).

ClinVar aggregate classification (germline): Uncertain significance (1 of 4 stars; one submission).

Submission:

Ambry Genetics
Classification: Uncertain significance. Last evaluated: 2025-09-04. Review status: criteria provided, single submitter. Criteria: Ambry Variant Classification Scheme 2023. Collection method: clinical testing. Allele origin: germline.
Comment: The p.E576D variant (also known as c.1728A>T), located in coding exon 1 of the TET2 gene, results from an A to T substitution at nucleotide position 1728. The glutamic acid at codon 576 is replaced by aspartic acid, an amino acid with highly similar properties. This amino acid position is conserved. In addition, this alteration is predicted to be tolerated by in silico analysis. Based on the available evidence, the clinical significance of this variant remains unclear.